The following is an entry in ClinVar:

NM_004341.5(CAD):c.6249C>T (p.His2083=)

Genes: CAD (carbamoyl-phosphate synthetase 2, aspartate transcarbamylase, and dihydroorotase; plus strand), LOC126806172 (CDK7 strongly-dependent group 2 enhancer GRCh37_chr2:27465505-27466704; plus strand). Cytogenetic location: 2p23.3.
Variant type: single nucleotide variant.
Coding change: c.6249C>T on transcript NM_004341.5 (MANE Select); coding-DNA position 6249, C replaced by T.
Protein change: p.His2083=; no amino-acid change (histidine 2083 retained).
Molecular consequence: synonymous variant.
Genome position (GRCh38, 1-based): chr2:27,242,646, C>T. VCF-style: chr2-27242646-C-T. GRCh37 (hg19) VCF-style: chr2-27465514-C-T.
Other names: p.His2083=; c.6060C>T, p.His2020= (NM_001306079.2); c.6249C>T (NM_004341.4).
Identifiers: ClinVar variation 1664533 (VCV001664533.10), dbSNP rs151152989, ClinGen allele CA1574156.

ClinVar aggregate classification (germline): Likely benign. Review status: criteria provided, multiple submitters, no conflicts (2 of 4 stars). 3 submissions from 3 submitters: Likely benign (3). Last evaluated 2026-01-31.

Conditions:
CAD-related disorder. Also called: CAD-related condition.

Allele frequency attached by ClinVar (database versions not stated): ExAC 0.00001; gnomAD exomes 0.00001 and 0.00002; TOPMed 0.00003; gnomAD 0.00004 and 0.00005; ESP Exome Variant Server 0.00015; 1000 Genomes Project 30x 0.00047; 1000 Genomes Project 0.00060.

Submissions (3):

Labcorp Genetics (formerly Invitae), Labcorp
Classification: Likely benign. Last evaluated: 2026-01-31. Review status: criteria provided, single submitter. Criteria: Invitae Variant Classification Sherloc (09022015). Collection method: clinical testing. Allele origin: germline.

Mayo Clinic Laboratories, Mayo Clinic
Classification: Likely benign. Last evaluated: 2025-03-24. Review status: criteria provided, single submitter. Criteria: ACMG Guidelines, 2015. Collection method: clinical testing. Allele origin: germline. Observed: 1 variant allele.
Comment: BP4, BP7

PreventionGenetics, part of Exact Sciences
Classification: Likely benign for CAD-related condition. Last evaluated: 2025-03-08. Review status: criteria provided, single submitter. Criteria: ACMG Guidelines, 2015. Collection method: clinical testing. Allele origin: germline.
Comment: This variant is classified as likely benign based on ACMG/AMP sequence variant interpretation guidelines (Richards et al. 2015 PMID: 25741868, with internal and published modifications).